The following is an entry in ClinVar:

NM_024675.4(PALB2):c.232G>A (p.Val78Ile)

Gene: PALB2 (partner and localizer of BRCA2; minus strand). Cytogenetic location: 16p12.2.
Variant type: single nucleotide variant.
Coding change: c.232G>A on transcript NM_024675.4 (MANE Select); coding-DNA position 232, G replaced by A.
Protein change: p.Val78Ile; replaces valine 78 with isoleucine.
Molecular consequence: missense variant.
Genome position (GRCh38, 1-based): chr16:23,636,314, C>T on the plus strand (G>A on the coding strand, the complement: PALB2 is on the minus strand). VCF-style: chr16-23636314-C-T. GRCh37 (hg19) VCF-style: chr16-23647635-C-T.
Other names: p.V78I:GTT>ATT; short protein forms V78I.
Identifiers: ClinVar variation 126647 (VCV000126647.73), dbSNP rs515726085, ClinGen allele CA288441.

ClinVar aggregate classification (germline): Conflicting classifications of pathogenicity. Review status: criteria provided, conflicting classifications (1 of 4 stars). 18 submissions from 18 submitters: Uncertain significance (1); Benign (1); Likely benign (13). 3 of the submissions do not count toward it. Last evaluated 2026-02-01.

Conditions:
PALB2-related disorder. Also called: PALB2-related condition; PALB2-related disorders.
Breast and/or ovarian cancer. Identifiers: MedGen CN221562.
Hereditary cancer-predisposing syndrome. Also called: Tumor predisposition; Hereditary neoplastic syndrome; Neoplastic Syndromes, Hereditary; Hereditary Cancer Syndrome. Identifiers: Orphanet 140162, MedGen C0027672, MeSH D009386, MONDO:0015356.
Familial cancer of breast. Also called: Hereditary breast cancer; hereditary breast carcinoma; BREAST CANCER, FAMILIAL. Identifiers: Orphanet 227535, MedGen C0346153, MONDO:0016419, OMIM 114480. Disease mechanism: loss of function.
Malignant tumor of breast. Also called: Malignant breast neoplasm; Cancer breast. Identifiers: MedGen C0006142, MONDO:0007254. Disease mechanism: loss of function.

Allele frequency attached by ClinVar (database versions not stated): gnomAD 0.00011 and 0.00013; gnomAD exomes 0.00011 and 0.00019; ExAC 0.00017; TOPMed 0.00018.
gnomAD v4.1: 289 of 1,609,794 alleles (0.018%); highest among the groups gnomAD compares: Non-Finnish European, 0.023%; 1 homozygote.

Submissions (18):

Labcorp Genetics (formerly Invitae), Labcorp
Classification: Likely benign for Familial cancer of breast. Last evaluated: 2026-02-01. Review status: criteria provided, single submitter. Criteria: Invitae Variant Classification Sherloc (09022015). Collection method: clinical testing. Allele origin: germline.

CeGaT Center for Human Genetics Tuebingen
Classification: Likely benign. Last evaluated: 2025-11-01. Review status: criteria provided, single submitter. Criteria: CeGaT Center For Human Genetics Tuebingen Variant Classification Criteria Version 2. Collection method: clinical testing. Allele origin: germline. Affected: yes. Observed: 5 variant alleles.
Comment: PALB2: BP4, BS3:Supporting

Women's Health and Genetics/Laboratory Corporation of America, LabCorp
Classification: Likely benign. Last evaluated: 2025-07-29. Review status: criteria provided, single submitter. Criteria: LabCorp Variant Classification Summary - May 2015. Collection method: clinical testing. Allele origin: germline.
Comment: Variant summary: PALB2 c.232G>A (p.Val78Ile) results in a conservative amino acid change in the encoded protein sequence. Algorithms developed to predict the effect of missense changes on protein structure and function all suggest that this variant is likely to be tolerated. The variant allele was found at a frequency of 0.00012 in 257942 control chromosomes, predominantly at a frequency of 0.00024 within the Non-Finnish European subpopulation in the gnomAD database, including 1 homozygotes. The observed variant frequency within Non-Finnish European control individuals in the gnomAD database is approximately 1.5 fold of the estimated maximal expected allele frequency for a pathogenic variant in PALB2 causing Hereditary Breast And Ovarian Cancer Syndrome phenotype (0.00016). c.232G>A has been reported in individuals affected with HBOC or related cancer phenotypes (Bhai_2021, Blanco 2013, Damiola 2015, Thompson 2015, Tischkowitz 2012, Castellanos 2017), however, with limited information. At least two publications report experimental evidence evaluating an impact on protein function (Rodrigue_2019, Wiltshire_2019). These results showed no damaging effect of this variant on BRCA1 and BRCA2 interaction and Homology directed repair activity (HDR). The following publications have been ascertained in the context of this evaluation (PMID: 24949998, 34326862, 23935836, 28051113, 26564480, 26315354, 31586400, 22241545, 31636395, 26283626). ClinVar contains an entry for this variant (Variation ID: 126647). Based on the evidence outlined above, the variant was classified as likely benign.

Center for Genomic Medicine, Rigshospitalet, Copenhagen University Hospital
Classification: Likely benign. Last evaluated: 2025-03-04. Review status: criteria provided, single submitter. Criteria: ACMG Guidelines, 2015. Collection method: clinical testing. Allele origin: germline.

Blueprint Genetics
Classification: Likely benign. Last evaluated: 2024-09-12. Review status: criteria provided, single submitter. Criteria: ACMG Guidelines, 2015. Collection method: clinical testing. Allele origin: germline.

Mendelics
Classification: Likely benign for Familial cancer of breast. Last evaluated: 2024-04-09. Review status: criteria provided, single submitter. Criteria: ACMG Guidelines, 2015. Collection method: clinical testing. Allele origin: unknown.

Myriad Genetics, Inc.
Classification: Benign for Familial cancer of breast. Last evaluated: 2023-12-20. Review status: criteria provided, single submitter. Criteria: Myriad Autosomal Dominant, Autosomal Recessive and X-Linked Classification Criteria (2023). Collection method: clinical testing. Allele origin: unknown.
Comment: This variant is considered benign. This variant is strongly associated with less severe personal and family histories of cancer, typical for individuals without pathogenic variants in this gene [PMID: 25085752]. This variant has been observed in trans with a known pathogenic variant in one or more individuals lacking clinical features consistent with gene-specific recessive disease.

Sema4
Classification: Likely benign for Hereditary cancer-predisposing syndrome. Last evaluated: 2021-12-08. Review status: criteria provided, single submitter. Criteria: Sema4 Curation Guidelines. Collection method: curation. Allele origin: germline.

Institute for Clinical Genetics, University Hospital TU Dresden, University Hospital TU Dresden
Classification: Uncertain significance. Last evaluated: 2021-11-03. Review status: criteria provided, single submitter. Criteria: ACMG Guidelines, 2015. Collection method: clinical testing. Allele origin: germline.

CHEO Genetics Diagnostic Laboratory, Children's Hospital of Eastern Ontario
Classification: Likely benign for Breast and/or ovarian cancer. Last evaluated: 2021-10-27. Review status: criteria provided, single submitter. Criteria: ACMG Guidelines, 2015. Collection method: clinical testing. Allele origin: germline.

GeneDx
Classification: Likely benign. Last evaluated: 2021-02-19. Review status: criteria provided, single submitter. Criteria: GeneDx Variant Classification Process June 2021. Collection method: clinical testing. Allele origin: germline. Affected: yes.
Comment: This variant is associated with the following publications: (PMID: 22241545, 23935836, 24949998, 26315354, 26564480, 26283626, 28717660, 28051113, 18302019, 26306225, 29458332, 31586400, 31636395)

Quest Diagnostics Nichols Institute San Juan Capistrano
Classification: Likely benign. Last evaluated: 2020-09-24. Review status: criteria provided, single submitter. Criteria: Quest Diagnostics criteria. Collection method: clinical testing. Allele origin: unknown.

Ambry Genetics
Classification: Likely benign for Hereditary cancer-predisposing syndrome. Last evaluated: 2019-03-27. Review status: criteria provided, single submitter. Criteria: Ambry Variant Classification Scheme 2023. Collection method: clinical testing. Allele origin: germline.

Color Diagnostics, LLC DBA Color Health
Classification: Likely benign for Hereditary cancer-predisposing syndrome. Last evaluated: 2018-05-16. Review status: criteria provided, single submitter. Criteria: ACMG Guidelines, 2015. Collection method: clinical testing. Allele origin: germline.

Cancer Genetics Laboratory, Peter MacCallum Cancer Centre
Classification: Likely benign for Familial cancer of breast. Last evaluated: 2015-06-01. Review status: criteria provided, single submitter. Criteria: Thompson et al. (Breast Cancer Res. 2015). Collection method: case-control. Allele origin: germline. Affected: yes. Observed: 2 variant alleles, 2 heterozygotes.

PreventionGenetics, part of Exact Sciences
Classification: Likely benign for PALB2-related condition. Last evaluated: 2024-06-17. Review status: no assertion criteria provided. Collection method: clinical testing. Allele origin: germline. Not counted in ClinVar's aggregate classification.
Comment: This variant is classified as likely benign based on ACMG/AMP sequence variant interpretation guidelines (Richards et al. 2015 PMID: 25741868, with internal and published modifications).

Leiden Open Variation Database
Classification: Uncertain significance. Last evaluated: 2019-05-13. Review status: no assertion criteria provided. Collection method: curation. Allele origin: germline. Affected: yes. Not counted in ClinVar's aggregate classification.
Comment: Curators: Marc Tischkowitz, Arleen D. Auerbach. Submitters to LOVD: Marc Tischkowitz, Melissa DeRycke.

Department of Pathology and Laboratory Medicine, Sinai Health System
Classification: Likely benign for Malignant tumor of breast. Review status: no assertion criteria provided. Collection method: clinical testing. Allele origin: unknown. Affected: yes. Observed: 1 variant allele. Study: The Canadian Open Genetics Repository (COGR). Not counted in ClinVar's aggregate classification.
Comment: The PALB2 p.Val78Ile variant was identified in 5 of 6906 proband chromosomes (frequency: 0.0007) from Spanish, Australian, Danish and American individuals or families with HBOC (BRCA1/BRCA2 negative breast cancers (with/without pancreatic cancer in the family)) or familial melanoma (Tischkowitz 2012, Thompson 2015, Blanco 2013, Aoude 2014). Segregation analysis in the familial melanoma study did not show cosegregation with disease, with 2 of 4 affected members carrying the variant. The variant was also identified in dbSNP (ID: rs515726085) as â€šÃ„Ãºotherâ€šÃ„Ã¹, ClinVar (classified as uncertain significance by GeneDx, Invitae, PALB2 database, and likely benign by Ambry Genetics and Peter MacCallum Cancer Center Study), Clinvitae (with conflicting interpretations of pathogenicity) and (LOVD 3.0 (4X); and was not identified in Cosmic, MutDB, and Zhejiang Colon Cancer Database databases. The variant was identified in control databases in 30 (1 homozygous) of 272762 chromosomes at a frequency of 0.0001 increasing the likelihood that this may be a low frequency variant in certain populations of origin (Genome Aggregation Consortium Feb 27, 2017). The p.Val78 residue is not conserved in mammals and computational analyses (PolyPhen-2, SIFT, AlignGVGD, BLOSUM, MutationTaster) do not suggest a high likelihood of impact to the protein; however, this information is not predictive enough to rule out pathogenicity. The variant occurs outside of the splicing consensus sequence and 1 of 5 in silico or computational prediction software programs (SpliceSiteFinder, MaxEntScan, NNSPLICE, GeneSplicer, HumanSpliceFinder) predict a greater than 10% difference in splicing; this is not very predictive of pathogenicity. In summary, based on the above information the clinical significance of this variant cannot be determined with certainty at this time although we would lean towards a more benign role for this variant. This variant is classified as likely benign.

Literature cited by the submitters: PubMed 23935836 (cited by 4 submitters); PubMed 22241545 (cited by 4 submitters); PubMed 26283626 (cited by Women's Health and Genetics/Laboratory Corporation of America, LabCorp and Quest Diagnostics Nichols Institute San Juan Capistrano); PubMed 26315354 (cited by Women's Health and Genetics/Laboratory Corporation of America, LabCorp and Quest Diagnostics Nichols Institute San Juan Capistrano); PubMed 26564480 (cited by 3 submitters); PubMed 24949998 (cited by 4 submitters); PubMed 28051113 (cited by Women's Health and Genetics/Laboratory Corporation of America, LabCorp and Quest Diagnostics Nichols Institute San Juan Capistrano); PubMed 31586400 (cited by 3 submitters); PubMed 31636395 (cited by Women's Health and Genetics/Laboratory Corporation of America, LabCorp and Center for Genomic Medicine, Rigshospitalet, Copenhagen University Hospital); PubMed 34326862 (cited by Women's Health and Genetics/Laboratory Corporation of America, LabCorp); PubMed 25085752 (cited by Myriad Genetics, Inc.); PubMed 29458332 (cited by Quest Diagnostics Nichols Institute San Juan Capistrano); PubMed 28717660 (cited by Quest Diagnostics Nichols Institute San Juan Capistrano); PubMed 18302019 (cited by Ambry Genetics).